The following is an entry in ClinVar:

NM_007294.4(BRCA1):c.3228_3229del (p.Gly1077fs)

Genes: BRCA1 (BRCA1 DNA repair associated; minus strand), LOC126862571 (BRD4-independent group 4 enhancer GRCh37_chr17:41243136-41244335; plus strand). Cytogenetic location: 17q21.31.
Variant type: Microsatellite.
Coding change: c.3228_3229del on transcript NM_007294.4 (MANE Select); coding-DNA positions 3228 to 3229, 2 bases deleted (AG; older notation c.3228_3229delAG).
Protein change: p.Gly1077fs; shifts the reading frame from glycine 1077.
Molecular consequence: frameshift variant. On other transcripts: intron variant (137).
Genome position (GRCh38, 1-based): chr17:43,092,302-43,092,303, CT deleted on the plus strand (AG on the coding strand, the reverse complement: BRCA1 is on the minus strand); deleting any 2 consecutive bases within chr17:43,092,302-43,092,305 gives the same sequence; the c. name uses the placement nearest the transcript's 3' end. VCF-style (leftmost placement, unchanged base first): chr17-43092301-CCT-C. GRCh37 (hg19) VCF-style: chr17-41244318-CCT-C.
Other names: 3347_3348delAG; NP_009225.1:p.Gly1077AlafsTer8; 3347delAG; c.3228_3229delAG (NM_007294.3); c.3228_3229del, p.Gly1077fs (NM_001407652.1, NM_001407684.1, NM_001407854.1 and 30 more transcripts); c.3150_3151del, p.Gly1051fs (NM_001407653.1, NM_001407654.1, NM_001407655.1 and 4 more transcripts); c.3147_3148del, p.Gly1050fs (NM_001407659.1, NM_001407660.1, NM_001407661.1 and 1 more transcripts); c.3105_3106del, p.Gly1036fs (NM_001407664.1, NM_001407665.1, NM_001407666.1 and 19 more transcripts); and 45 more; short protein forms G1077fs, G1030fs, G1006fs, G1007fs, G1051fs, G1076fs, G988fs, G1074fs.
Identifiers: ClinVar variation 37516 (VCV000037516.67), dbSNP rs80357635, ClinGen allele CA002091.
Genomic context (GRCh38, chr17:43,092,301, plus strand): 5'-CTTTGTTTATAGACCTCAGGTTGCAAAACCCCTAATCTAAGCATAGCATTCAATTTTGGC[CCT>C]CTGTTTCTACCTAGTTCTGCTTGAATGTTTTCATCACTGGAACCTATTTCATTAATACTG-3'

ClinVar aggregate classification (germline): Pathogenic. Review status: reviewed by expert panel (3 of 4 stars). 28 submissions from 27 submitters: Pathogenic (1). 27 of the submissions do not count toward it. Last evaluated 2016-04-22.

Conditions:
BRCA1-related cancer predisposition. Identifiers: MedGen CN377757, MONDO:0700268.
Breast-ovarian cancer, familial, susceptibility to, 1 (BROVCA1). Also called: OVARIAN CANCER, SUSCEPTIBILITY TO; BRCA1 Hereditary Breast and Ovarian Cancer. Identifiers: Orphanet 145, MedGen C2676676, MONDO:0011450, OMIM 604370. Disease mechanism: loss of function.
Pancreatic cancer, susceptibility to, 4. Identifiers: Orphanet 1333, MedGen C3280442, MONDO:0013685, OMIM 614320.
Fanconi anemia, complementation group S (FANCS). Identifiers: MedGen C4554406, MONDO:0054748, OMIM 617883.
Breast and/or ovarian cancer. Identifiers: MedGen CN221562.
Hereditary cancer-predisposing syndrome. Also called: Tumor predisposition; Neoplastic Syndromes, Hereditary; Hereditary Cancer Syndrome; Hereditary neoplastic syndrome. Identifiers: Orphanet 140162, MedGen C0027672, MeSH D009386, MONDO:0015356.
Hereditary breast ovarian cancer syndrome. Also called: Hereditary breast and ovarian cancer syndrome (HBOC); Hereditary breast and ovarian cancer syndrome; Hereditary breast and ovarian cancer; Hereditary breast and/or ovarian cancer syndrome; Breast and ovarian cancer; BRCA1- and BRCA2-Associated Hereditary Breast and Ovarian Cancer. Identifiers: Orphanet 145, MedGen C0677776, MeSH D061325, MONDO:0003582. Disease mechanism: loss of function.
Familial cancer of breast. Also called: Hereditary breast cancer; hereditary breast carcinoma; BREAST CANCER, FAMILIAL. Identifiers: Orphanet 227535, MedGen C0346153, MONDO:0016419, OMIM 114480. Disease mechanism: loss of function.

Submissions 1 to 7 of 28:

Evidence-based Network for the Interpretation of Germline Mutant Alleles (ENIGMA)
Classification: Pathogenic for Breast-ovarian cancer, familial, susceptibility to, 1. Last evaluated: 2016-04-22. Review status: reviewed by expert panel. Criteria: ENIGMA BRCA1/2 Classification Criteria (2015). Collection method: curation. Allele origin: germline.
Comment: Variant allele predicted to encode a truncated non-functional protein.

Mayo Clinic Laboratories, Mayo Clinic
Classification: Pathogenic. Last evaluated: 2025-10-19. Review status: criteria provided, single submitter. Criteria: ACMG Guidelines, 2015. Collection method: clinical testing. Allele origin: germline. Observed: 2 variant alleles. Not counted in ClinVar's aggregate classification.
Comment: PM5_strong, PVS1

Labcorp Genetics (formerly Invitae), Labcorp
Classification: Pathogenic for Hereditary breast ovarian cancer syndrome. Last evaluated: 2025-09-14. Review status: criteria provided, single submitter. Criteria: Invitae Variant Classification Sherloc (09022015). Collection method: clinical testing. Allele origin: germline. Not counted in ClinVar's aggregate classification.
Comment: This sequence change creates a premature translational stop signal (p.Gly1077Alafs*8) in the BRCA1 gene. It is expected to result in an absent or disrupted protein product. Loss-of-function variants in BRCA1 are known to be pathogenic (PMID: 20104584). This variant is present in population databases (rs80357635, gnomAD 0.003%). This premature translational stop signal has been observed in individual(s) with breast and/or ovarian cancer (PMID: 11720839, 14522380, 15477862, 16030099, 17574839, 17591843, 18819001, 18821011, 19837273, 19941167, 20104584, 22798144, 24549055, 26350514). It is commonly reported in individuals of Norwegian ancestry (PMID: 11720839, 14522380, 15477862, 16030099, 17574839, 17591843, 18819001, 18821011, 19837273, 19941167, 20104584, 22798144, 24549055, 26350514). This variant is also known as 3347delAG and c.3228delAG. ClinVar contains an entry for this variant (Variation ID: 37516). For these reasons, this variant has been classified as Pathogenic.

Ambry Genetics
Classification: Pathogenic for Hereditary cancer-predisposing syndrome. Last evaluated: 2025-08-12. Review status: criteria provided, single submitter. Criteria: Ambry Variant Classification Scheme 2023. Collection method: clinical testing. Allele origin: germline. Not counted in ClinVar's aggregate classification.
Comment: The c.3228_3229delAG (p.G1077Afs*8) alteration, located in exon 10 (coding exon 9) of the BRCA1 gene, consists of a deletion of 2 nucleotides from position 3228 to 3229, causing a translational frameshift with a predicted alternate stop codon after 8 amino acids. This alteration is expected to result in loss of function by premature protein truncation or nonsense-mediated mRNA decay. Based on data from gnomAD, this allele has an overall frequency of <0.001% (1/250376) total alleles studied. The highest observed frequency was 0.003% (1/34580) of Latino alleles. This variant has been reported in multiple individuals/families with hereditary breast and ovarian cancer (HBOC) syndrome (Aretini, 2003; Bj&oslash;rge, 2004; Ottini, 2009; Borg, 2010; Kim, 2012; Cast&eacute;ra, 2014; Lin, 2016; Alemar, 2016; H&oslash;berg-Vetti, 2016; Grindedal, 2017; Park, 2017; Sun, 2017; Dominguez-Valentin, 2018; Rebbeck, 2018; Singh, 2018; Fanale, 2020; Santonocito, 2020; Incorvaia, 2020). Due to its prevalence in Norway and Tuscany, this alteration has also been recognized as a founder mutation in these two populations (M&oslash;ller, 2001; Papi, 2009). Of note, this alteration is also designated as c.3226_3227delAG, 3347delAG and 3345delAG in the literature. Based on the available evidence, this alteration is classified as pathogenic.

Dasa
Classification: Pathogenic for Breast-ovarian cancer, familial, susceptibility to, 1. Last evaluated: 2025-05-21. Review status: criteria provided, single submitter. Criteria: DASA Assertion Criteria. Collection method: clinical testing. Allele origin: germline. Not counted in ClinVar's aggregate classification.
Comment: NM_007294.4(BRCA1):c.3228_3229del (p.Gly1077AlafsTer8) is a frameshift variant in BRCA1 predicted to alter the reading frame and introduce a premature termination codon and is predicted to result in an absent or altered protein product. Loss of function is an established disease mechanism for BRCA1 (PMID: 32375709; PMID: 21989022; PMID: 11802209). The affected residue or protein region has prior evidence supporting clinical relevance. This variant has been recurrently observed in individuals with Breast-ovarian cancer, familial, susceptibility to, 1 (PMID: 29446198; PMID: 29907814). Also, this variant is rare in population databases. Based on the currently available evidence, this variant is classified as pathogenic.

Center for Genomic Medicine, Rigshospitalet, Copenhagen University Hospital
Classification: Pathogenic. Last evaluated: 2025-03-04. Review status: criteria provided, single submitter. Criteria: ACMG Guidelines, 2015. Collection method: clinical testing. Allele origin: germline. Not counted in ClinVar's aggregate classification.
Comment: Classification criteria: PVS1, PM2_supporting, PM5_strong

Color Diagnostics, LLC DBA Color Health
Classification: Pathogenic for Hereditary cancer-predisposing syndrome. Last evaluated: 2024-10-21. Review status: criteria provided, single submitter. Criteria: ACMG Guidelines, 2015. Collection method: clinical testing. Allele origin: germline. Not counted in ClinVar's aggregate classification.
Comment: This variant deletes 2 nucleotides in exon 10 of the BRCA1 gene, creating a frameshift and premature translation stop signal. This variant is expected to result in an absent or non-functional protein product. This variant has been reported in over 30 individuals and families affected with breast and/or ovarian cancer (PMID: 11720839, 14522380, 14531499, 15477862, 17574839, 18819001, 18821011, 19837273, 20104584, 22798144, 24549055, 26350514, 27425403, 28637432, 28724667, 29371908, 33471991; Leiden Open Variation Database DB-ID BRCA1_000674), and it is considered a founder or recurrent mutation in the Norwegian and Italian populations (PMID: 17591843, 18821011). This variant has been identified in 61 families among the CIMBA participants (PMID: 29446198). This variant has been identified in 1/250376 chromosomes in the general population by the Genome Aggregation Database (gnomAD). Loss of BRCA1 function is a known mechanism of disease. Based on the available evidence, this variant is classified as Pathogenic.